The following is an entry in ClinVar:

ClinVar aggregate classification (germline): Uncertain significance. Review status: criteria provided, multiple submitters, no conflicts (2 of 4 stars). 5 submissions from 5 submitters: Uncertain significance (5). Last evaluated 2025-11-17.

Conditions:
Hereditary cancer-predisposing syndrome. Also called: Neoplastic Syndromes, Hereditary; Tumor predisposition; Hereditary Cancer Syndrome; Hereditary neoplastic syndrome. Identifiers: Orphanet 140162, MedGen C0027672, MeSH D009386, MONDO:0015356.
Breast-ovarian cancer, familial, susceptibility to, 4. Identifiers: Orphanet 145, MedGen C3280345, MONDO:0013669, OMIM 614291.

Allele frequency attached by ClinVar (database versions not stated): TOPMed below 0.00001.
gnomAD v4.1: 2 of 1,614,184 alleles (0.00012%); highest among the groups gnomAD compares: Non-Finnish European, 0.00017%; no homozygotes.

Submissions (5):

Women's Health and Genetics/Laboratory Corporation of America, LabCorp
Classification: Uncertain significance. Last evaluated: 2025-11-17. Review status: criteria provided, single submitter. Criteria: LabCorp Variant Classification Summary - May 2015. Collection method: clinical testing. Allele origin: germline.
Comment: Variant summary: RAD51D c.180G>T (p.Gln60His) results in a non-conservative amino acid change in the encoded protein sequence. Algorithms developed to predict the effect of missense changes on protein structure and function are either unavailable or do not agree on the potential impact of this missense change. The variant was absent in 251298 control chromosomes. The available data on variant occurrences in the general population are insufficient to allow any conclusion about variant significance. To our knowledge, no occurrence of c.180G>T in individuals affected with RAD51D-related conditions and no experimental evidence demonstrating its impact on protein function have been reported. ClinVar contains an entry for this variant (Variation ID: 484767). Based on the evidence outlined above, the variant was classified as uncertain significance.

Ambry Genetics
Classification: Uncertain significance for Hereditary cancer-predisposing syndrome. Last evaluated: 2025-06-19. Review status: criteria provided, single submitter. Criteria: Ambry Variant Classification Scheme 2023. Collection method: clinical testing. Allele origin: germline.
Comment: The p.Q60H variant (also known as c.180G>T), located in coding exon 3 of the RAD51D gene, results from a G to T substitution at nucleotide position 180. The glutamine at codon 60 is replaced by histidine, an amino acid with highly similar properties. This amino acid position is highly conserved in available vertebrate species. In addition, the in silico prediction for this alteration is inconclusive. Since supporting evidence is limited at this time, the clinical significance of this alteration remains unclear.

Labcorp Genetics (formerly Invitae), Labcorp
Classification: Uncertain significance for Breast-ovarian cancer, familial, susceptibility to, 4. Last evaluated: 2024-04-10. Review status: criteria provided, single submitter. Criteria: Invitae Variant Classification Sherloc (09022015). Collection method: clinical testing. Allele origin: germline.
Comment: This sequence change replaces glutamine, which is neutral and polar, with histidine, which is basic and polar, at codon 60 of the RAD51D protein (p.Gln60His). This variant is not present in population databases (gnomAD no frequency). This variant has not been reported in the literature in individuals affected with RAD51D-related conditions. ClinVar contains an entry for this variant (Variation ID: 484767). Advanced modeling of protein sequence and biophysical properties (such as structural, functional, and spatial information, amino acid conservation, physicochemical variation, residue mobility, and thermodynamic stability) performed at Invitae indicates that this missense variant is not expected to disrupt RAD51D protein function with a negative predictive value of 80%. In summary, the available evidence is currently insufficient to determine the role of this variant in disease. Therefore, it has been classified as a Variant of Uncertain Significance.

GeneDx
Classification: Uncertain significance. Last evaluated: 2023-05-09. Review status: criteria provided, single submitter. Criteria: GeneDx Variant Classification Process June 2021. Collection method: clinical testing. Allele origin: germline. Affected: yes.
Comment: Not observed at significant frequency in large population cohorts (gnomAD); In silico analysis supports that this missense variant has a deleterious effect on protein structure/function; Has not been previously published as pathogenic or benign to our knowledge; This variant is associated with the following publications: (PMID: 21111057, 14704354, 19327148, 34200360)

Color Diagnostics, LLC DBA Color Health
Classification: Uncertain significance for Hereditary cancer-predisposing syndrome. Last evaluated: 2019-04-03. Review status: criteria provided, single submitter. Criteria: ACMG Guidelines, 2015. Collection method: clinical testing. Allele origin: germline.

NM_002878.4(RAD51D):c.180G>T (p.Gln60His)

Genes: RAD51D (RAD51 paralog D; minus strand), RAD51L3-RFFL (RAD51L3-RFFL readthrough; minus strand). Cytogenetic location: 17q12.
Variant type: single nucleotide variant.
Coding change: c.180G>T on transcript NM_002878.4 (MANE Select); coding-DNA position 180, G replaced by T.
Protein change: p.Gln60His; replaces glutamine 60 with histidine.
Molecular consequence: missense variant. On other transcripts: intron variant (2).
Genome position (GRCh38, 1-based): chr17:35,118,584, C>A on the plus strand (G>T on the coding strand, the complement: RAD51D is on the minus strand). VCF-style: chr17-35118584-C-A. GRCh37 (hg19) VCF-style: chr17-33445603-C-A.
Other names: c.144+527G>T (NM_133629.3, NM_001142571.2); short protein forms Q60H.
Identifiers: ClinVar variation 484767 (VCV000484767.22), dbSNP rs1423192061, ClinGen allele CA399091483.